The following is an entry in ClinVar:

ClinVar aggregate classification (germline): Uncertain significance (1 of 4 stars; one submission).

gnomAD v4.1: 2 of 1,614,152 alleles (0.00012%); highest among the groups gnomAD compares: Non-Finnish European, 0.00017%; no homozygotes.

Submission:

Ambry Genetics
Classification: Uncertain significance. Last evaluated: 2026-07-21. Review status: criteria provided, single submitter. Criteria: Ambry Variant Classification Scheme 2023. Collection method: clinical testing. Allele origin: germline.
Comment: The p.Q917R variant (also known as c.2750A>G), located in coding exon 1 of the TET2 gene, results from an A to G substitution at nucleotide position 2750. The glutamine at codon 917 is replaced by arginine, an amino acid with highly similar properties. This amino acid position is conserved. In addition, this alteration is predicted to be tolerated by in silico analysis. Based on the available evidence, the clinical significance of this variant remains unclear.

NM_001127208.3(TET2):c.2750A>G (p.Gln917Arg)

Genes: TET2 (tet methylcytosine dioxygenase 2; plus strand), TET2-AS1 (TET2 antisense RNA 1; minus strand). Cytogenetic location: 4q24.
Variant type: single nucleotide variant.
Coding change: c.2750A>G on transcript NM_001127208.3 (MANE Select); coding-DNA position 2750, A replaced by G.
Protein change: p.Gln917Arg; replaces glutamine 917 with arginine.
Molecular consequence: missense variant.
Genome position (GRCh38, 1-based): chr4:105,236,692, A>G. VCF-style: chr4-105236692-A-G. GRCh37 (hg19) VCF-style: chr4-106157849-A-G.
Other names: c.2750A>G, p.Gln917Arg (NM_017628.4); short protein forms Q917R.
Identifiers: ClinVar variation 5030719 (VCV005030719.1).